The following is an entry in ClinVar:

ClinVar aggregate classification (germline): Uncertain significance (1 of 4 stars; one submission).

Submission:

Labcorp Genetics (formerly Invitae), Labcorp
Classification: Uncertain significance. Last evaluated: 2022-09-07. Review status: criteria provided, single submitter. Criteria: Invitae Variant Classification Sherloc (09022015). Collection method: clinical testing. Allele origin: germline.
Comment: In summary, the available evidence is currently insufficient to determine the role of this variant in disease. Therefore, it has been classified as a Variant of Uncertain Significance. This variant has not been reported in the literature in individuals affected with CNGB3-related conditions. This variant results in a copy number gain of the genomic region encompassing exon(s) 4-18 of the CNGB3 gene. This region includes the termination codon of the gene. This copy number gain extends beyond the assayed region for this gene and therefore may encompass additional genes. As the precise location of this event is unknown, it may be in tandem or it may be located elsewhere in the genome.

NC_000008.10:g.(?_87588032)_(87683346_?)dup

Gene: CNGB3 (cyclic nucleotide gated channel subunit beta 3; minus strand). Cytogenetic location: 8q21.3.
Variant type: Duplication.
Identifiers: ClinVar variation 1441169 (VCV001441169.5).